The following is an entry in ClinVar:

ClinVar aggregate classification (germline): Pathogenic. Review status: criteria provided, multiple submitters, no conflicts (2 of 4 stars). 2 submissions from 2 submitters: Pathogenic (2). Last evaluated 2025-03-17.

Conditions:
Retinal dystrophy. Also called: Inherited retinal dystrophy. Identifiers: Orphanet 71862, MedGen C0854723, MeSH D058499, MONDO:0019118, HP:0000556.

Submissions (2):

Labcorp Genetics (formerly Invitae), Labcorp
Classification: Pathogenic. Last evaluated: 2025-03-17. Review status: criteria provided, single submitter. Criteria: Invitae Variant Classification Sherloc (09022015). Collection method: clinical testing. Allele origin: germline.
Comment: This sequence change creates a premature translational stop signal (p.Met629Ilefs*16) in the PROM1 gene. It is expected to result in an absent or disrupted protein product. Loss-of-function variants in PROM1 are known to be pathogenic (PMID: 17605048, 19718270, 24154662, 25474345). This variant is present in population databases (no rsID available, gnomAD 0.007%). This variant has not been reported in the literature in individuals affected with PROM1-related conditions. For these reasons, this variant has been classified as Pathogenic.

Institute of Human Genetics, Univ. Regensburg, Univ. Regensburg
Classification: Pathogenic for Retinal dystrophy. Last evaluated: 2013-01-01. Review status: criteria provided, single submitter. Criteria: ACMG Guidelines, 2015. Collection method: clinical testing. Allele origin: germline. Affected: yes.

Literature cited by the submitters: PubMed 17605048 (cited by Labcorp Genetics (formerly Invitae), Labcorp); PubMed 19718270 (cited by Labcorp Genetics (formerly Invitae), Labcorp); PubMed 24154662 (cited by Labcorp Genetics (formerly Invitae), Labcorp); PubMed 25474345 (cited by Labcorp Genetics (formerly Invitae), Labcorp); PubMed 31964843 (cited by Institute of Human Genetics, Univ. Regensburg, Univ. Regensburg).

NM_006017.3(PROM1):c.1887_1890del (p.Met629fs)

Gene: PROM1 (prominin 1; minus strand). Cytogenetic location: 4p15.32.
Variant type: Microsatellite.
Coding change: c.1887_1890del on transcript NM_006017.3 (MANE Select); coding-DNA positions 1887 to 1890, 4 bases deleted (GAAT; older notation c.1887_1890delGAAT).
Protein change: p.Met629fs; shifts the reading frame from methionine 629.
Molecular consequence: frameshift variant.
Genome position (GRCh38, 1-based): chr4:15,992,269-15,992,272, ATTC deleted on the plus strand (GAAT on the coding strand, the reverse complement: PROM1 is on the minus strand); deleting any 4 consecutive bases within chr4:15,992,269-15,992,276 gives the same sequence; the c. name uses the placement nearest the transcript's 3' end. VCF-style (leftmost placement, unchanged base first): chr4-15992268-AATTC-A. GRCh37 (hg19) VCF-style: chr4-15993891-AATTC-A.
Other names: c.1860_1863del, p.Met620fs (NM_001145847.2, NM_001145848.2, NM_001145851.2 and 4 more transcripts); c.1887_1890del, p.Met629fs (NM_001145849.2, NM_001145850.2); short protein forms M629fs, M620fs.
Identifiers: ClinVar variation 1436127 (VCV001436127.7), dbSNP rs1459317703, ClinGen allele CA549881966.